The following is an entry in ClinVar:

NM_000103.4(CYP19A1):c.*2511G>A

Genes: MIR4713HG (MIR4713 host gene; plus strand), PIRC66 (piwi-interacting RNA cluster 66; plus strand), CYP19A1 (cytochrome P450 family 19 subfamily A member 1; minus strand). Cytogenetic location: 15q21.2.
Variant type: single nucleotide variant.
Coding change: c.*2511G>A on transcript NM_000103.4 (MANE Select); 2511 bases downstream of the stop codon, G replaced by A.
Molecular consequence: 3 prime UTR variant.
Genome position (GRCh38, 1-based): chr15:51,208,297, C>T on the plus strand (G>A on the coding strand, the complement: CYP19A1 is on the minus strand). VCF-style: chr15-51208297-C-T. GRCh37 (hg19) VCF-style: chr15-51500494-C-T.
Other names: c.*2511G>A (NM_001347248.1, NM_001347249.2, NM_001347250.2 and 7 more transcripts).
Identifiers: ClinVar variation 316441 (VCV000316441.6), dbSNP rs934633, ClinGen allele CA10646230.
Genomic context (GRCh38, chr15:51,208,297, plus strand): 5'-GCAATTTCCAAATGGTATTTCTCAATAATGAGAGAGCTTGCTGGATGTGATTATTTTCCA[C>T]TTGAGAGGGGGAAAATGGGATCTCAATGAAGGCATGGGGGTGTCTAGCATGCCCAAAGAT-3'

ClinVar aggregate classification (germline): Benign. Review status: criteria provided, multiple submitters, no conflicts (2 of 4 stars). 2 submissions from 2 submitters: Benign (2). Last evaluated 2018-01-13.

Conditions:
Aromatase deficiency. Also called: Increased aromatase activity; PSEUDOHERMAPHRODITISM, FEMALE, DUE TO PLACENTAL AROMATASE DEFICIENCY. Identifiers: Orphanet 91, MedGen C1960539, MONDO:0013301, OMIM 613546.

Allele frequency attached by ClinVar (database versions not stated): gnomAD 0.09620; 1000 Genomes Project 0.09784; 1000 Genomes Project 30x 0.10087; TOPMed 0.10280.

Submissions (2):

Illumina Laboratory Services, Illumina
Classification: Benign for Aromatase deficiency. Last evaluated: 2018-01-13. Review status: criteria provided, single submitter. Criteria: ICSL Variant Classification Criteria 13 December 2019. Collection method: clinical testing. Allele origin: germline.
Comment: This variant was observed in the ICSL laboratory as part of a predisposition screen in an ostensibly healthy population. It had not been previously curated by ICSL or reported in the Human Gene Mutation Database (HGMD: prior to June 1st, 2018), and was therefore a candidate for classification through an automated scoring system. Utilizing variant allele frequency, disease prevalence and penetrance estimates, and inheritance mode, an automated score was calculated to assess if this variant is too frequent to cause the disease. Based on the score and internal cut-off values, a variant classified as benign is not then subjected to further curation. The score for this variant resulted in a classification of benign for this disease.

Breakthrough Genomics
Classification: Benign. Review status: criteria provided, single submitter. Criteria: ACMG Guidelines, 2015. Collection method: not provided. Allele origin: germline. Inheritance: Unknown mechanism. Affected: yes.